The following is an entry in ClinVar:

NM_000091.5(COL4A3):c.1778_1793del (p.Gly593fs)

Genes: COL4A3 (collagen type IV alpha 3 chain; plus strand), MFF-DT (MFF divergent transcript; minus strand). Cytogenetic location: 2q36.3.
Variant type: Deletion.
Coding change: c.1778_1793del on transcript NM_000091.5 (MANE Select); coding-DNA positions 1778 to 1793, 16 bases deleted (GGGACCAAGGTCCTCC).
Protein change: p.Gly593fs; shifts the reading frame from glycine 593.
Molecular consequence: frameshift variant.
Genome position (GRCh38, 1-based): chr2:227,272,968-227,272,983, GGGACCAAGGTCCTCC deleted. VCF-style (leftmost placement, unchanged base first): chr2-227272967-GGGGACCAAGGTCCTCC-G. GRCh37 (hg19) VCF-style: chr2-228137683-GGGGACCAAGGTCCTCC-G.
Other names: short protein forms G593fs.
Identifiers: ClinVar variation 2789128 (VCV002789128.4), dbSNP rs1027282554, ClinGen allele CA66593940.

ClinVar aggregate classification (germline): Pathogenic. Review status: criteria provided, multiple submitters, no conflicts (2 of 4 stars). 2 submissions from 2 submitters: Pathogenic (2). Last evaluated 2025-10-19.

Conditions:
Alport syndrome. Also called: Hemorrhagic familial nephritis; Hemorrhagic hereditary nephritis; Congenital hereditary hematuria. Identifiers: Orphanet 63, MedGen C1567741, MONDO:0018965.

Allele frequency attached by ClinVar (database versions not stated): TOPMed 0.00001.

Submissions (2):

Labcorp Genetics (formerly Invitae), Labcorp
Classification: Pathogenic. Last evaluated: 2025-10-19. Review status: criteria provided, single submitter. Criteria: Invitae Variant Classification Sherloc (09022015). Collection method: clinical testing. Allele origin: germline.
Comment: This sequence change creates a premature translational stop signal (p.Gly593Glufs*149) in the COL4A3 gene. It is expected to result in an absent or disrupted protein product. Loss-of-function variants in COL4A3 are known to be pathogenic (PMID: 8956999, 24854265, 26809805, 27281700). This variant is not present in population databases (gnomAD no frequency). This variant has not been reported in the literature in individuals affected with COL4A3-related conditions. ClinVar contains an entry for this variant (Variation ID: 2789128). For these reasons, this variant has been classified as Pathogenic.

Myriad Genetics, Inc.
Classification: Pathogenic for Alport syndrome. Last evaluated: 2023-12-09. Review status: criteria provided, single submitter. Criteria: Myriad Autosomal Dominant, Autosomal Recessive and X-Linked Classification Criteria (2023). Collection method: clinical testing. Allele origin: unknown.
Comment: NM_000091.4(COL4A3):c.1778_1793del16(G593Efs*149) is expected to be pathogenic in the context of Alport syndrome, COL4A3-related. This variant is predicted to lead to an abnormal or absent protein product due to the creation of a premature termination codon in COL4A3, a gene where loss-of-function variants are known to be pathogenic. Please note: this variant was assessed in the context of healthy population screening.

Literature cited by the submitters: PubMed 8956999 (cited by Labcorp Genetics (formerly Invitae), Labcorp); PubMed 24854265 (cited by Labcorp Genetics (formerly Invitae), Labcorp); PubMed 26809805 (cited by Labcorp Genetics (formerly Invitae), Labcorp); PubMed 27281700 (cited by Labcorp Genetics (formerly Invitae), Labcorp).